The following is an entry in ClinVar:

ClinVar aggregate classification (germline): Uncertain significance (1 of 4 stars; one submission).

Allele frequency attached by ClinVar (database versions not stated): gnomAD exomes below 0.00001; ExAC 0.00003; gnomAD 0.00003; TOPMed 0.00006; ESP Exome Variant Server 0.00015.
gnomAD v4.1: 13 of 1,613,970 alleles (0.00081%); highest among the groups gnomAD compares: African/African-American, 0.012%; no homozygotes.

Submission:

Labcorp Genetics (formerly Invitae), Labcorp
Classification: Uncertain significance. Last evaluated: 2024-02-19. Review status: criteria provided, single submitter. Criteria: Invitae Variant Classification Sherloc (09022015). Collection method: clinical testing. Allele origin: germline.
Comment: This sequence change replaces valine, which is neutral and non-polar, with glycine, which is neutral and non-polar, at codon 395 of the IL12RB2 protein (p.Val395Gly). The frequency data for this variant in the population databases is considered unreliable, as metrics indicate poor data quality at this position in the gnomAD database. This variant has not been reported in the literature in individuals affected with IL12RB2-related conditions. ClinVar contains an entry for this variant (Variation ID: 1964854). An algorithm developed to predict the effect of missense changes on protein structure and function (PolyPhen-2) suggests that this variant is likely to be tolerated. In summary, the available evidence is currently insufficient to determine the role of this variant in disease. Therefore, it has been classified as a Variant of Uncertain Significance.

NM_001374259.2(IL12RB2):c.1184T>G (p.Val395Gly)

Gene: IL12RB2 (interleukin 12 receptor subunit beta 2; plus strand). Cytogenetic location: 1p31.3.
Variant type: single nucleotide variant.
Coding change: c.1184T>G on transcript NM_001374259.2 (MANE Select); coding-DNA position 1184, T replaced by G.
Protein change: p.Val395Gly; replaces valine 395 with glycine.
Molecular consequence: missense variant. On other transcripts: non-coding transcript variant (2).
Genome position (GRCh38, 1-based): chr1:67,351,015, T>G. VCF-style: chr1-67351015-T-G. GRCh37 (hg19) VCF-style: chr1-67816698-T-G.
Other names: c.1184T>G, p.Val395Gly (NM_001258214.1, NM_001258215.1, NM_001258216.1 and 2 more transcripts); short protein forms V395G.
Identifiers: ClinVar variation 1964854 (VCV001964854.5), dbSNP rs138704365, ClinGen allele CA900423.